The following is an entry in ClinVar:

ClinVar aggregate classification (germline): Likely pathogenic (1 of 4 stars; one submission).

Conditions:
Euthyroid goiter (MNG1). Also called: Goiter, multinodular 1, with or without Sertoli-Leydig cell tumors; GOITER, NONTOXIC, WITH INTRATHYROIDAL CALCIFICATION; MULTINODULAR GOITER, ADOLESCENT; SIMPLE GOITER. Identifiers: Orphanet 276399, MedGen C0302859, MONDO:0007681, OMIM 138800, HP:0009798.

Submission:

3billion
Classification: Likely pathogenic for Euthyroid goiter. Last evaluated: 2025-05-08. Review status: criteria provided, single submitter. Criteria: ACMG Guidelines, 2015. Collection method: clinical testing. Allele origin: germline. Affected: yes.
Comment: The variant is not observed in the gnomAD v4.1.0 dataset. Predicted Consequence/Location: Frameshift: predicted to result in a loss or disruption of normal protein function through nonsense-mediated decay (NMD) or protein truncation. Multiple pathogenic variants are reported downstream of the variant. Therefore, this variant is classified as Likely pathogenic according to the recommendation of ACMG/AMP guideline.

NM_177438.3(DICER1):c.1773del (p.Lys592fs)

Gene: DICER1 (dicer 1, ribonuclease III; minus strand). Cytogenetic location: 14q32.13.
Variant type: Deletion.
Coding change: c.1773del on transcript NM_177438.3 (MANE Select); coding-DNA position 1773, one base deleted (C; older notation c.1773delC).
Protein change: p.Lys592fs; shifts the reading frame from lysine 592.
Molecular consequence: frameshift variant. On other transcripts: non-coding transcript variant (6).
Genome position (GRCh38, 1-based): chr14:95,115,801, G deleted on the plus strand (C on the coding strand, the reverse complement: DICER1 is on the minus strand); the first of 2 consecutive G bases (chr14:95,115,801-95,115,802); deleting either gives the same sequence. VCF-style (leftmost placement, unchanged base first): chr14-95115800-TG-T. GRCh37 (hg19) VCF-style: chr14-95582137-TG-T.
Other names: c.1773del, p.Lys592fs (NM_001195573.1, NM_001271282.3, NM_001291628.2 and 12 more transcripts); c.1368del, p.Lys457fs (NM_001395696.1, NM_001395698.1, NM_001395687.1 and 3 more transcripts); c.90del, p.Lys31fs (NM_001395697.1); c.1491del, p.Lys498fs (NM_001395686.1); c.1206del, p.Lys403fs (NM_001395691.1); short protein forms K31fs, K403fs, K457fs, K498fs, K592fs.
Identifiers: ClinVar variation 4854711 (VCV004854711.1).